The following is an entry in ClinVar:

ClinVar aggregate classification (germline): Uncertain significance (1 of 4 stars; one submission).

Conditions:
Andersen Tawil syndrome (LQT7). Also called: ANDERSEN CARDIODYSRHYTHMIC PERIODIC PARALYSIS; Andersen Syndrome; LONG QT SYNDROME 7; PERIODIC PARALYSIS, POTASSIUM-SENSITIVE CARDIODYSRHYTHMIC TYPE; Potassium-sensitive periodic paralysis, ventricular ectopy, and dysmorphic features. Identifiers: Orphanet 37553, MedGen C1563715, MONDO:0008222, OMIM 170390.

Submission:

Clinical Genomics Laboratory, Washington University in St. Louis
Classification: Uncertain significance for Andersen Tawil syndrome. Last evaluated: 2026-03-23. Review status: criteria provided, single submitter. Criteria: ACMG Guidelines, 2015. Collection method: clinical testing. Allele origin: germline.
Comment: The KCNJ2 c.447T>A (p.Cys149*) variant, to our knowledge, has not been reported in the medical literature and is absent from the general population (gnomAD v4.1.0), indicating it is not a common variant. This variant causes a premature termination codon; however, because this occurs in the only coding exon, this is not predicted to lead to nonsense mediated decay. Due to limited information, and based on ACMG/AMP guidelines for variant interpretation (Richards S et al., PMID: 25741868), the clinical significance of this variant is uncertain at this time.

NM_000891.3(KCNJ2):c.447T>A (p.Cys149Ter)

Gene: KCNJ2 (potassium inwardly rectifying channel subfamily J member 2; plus strand). Cytogenetic location: 17q24.3.
Variant type: single nucleotide variant.
Coding change: c.447T>A on transcript NM_000891.3 (MANE Select); coding-DNA position 447, T replaced by A.
Protein change: p.Cys149Ter; replaces cysteine 149 with a stop codon.
Molecular consequence: nonsense.
Genome position (GRCh38, 1-based): chr17:70,175,486, T>A. VCF-style: chr17-70175486-T-A. GRCh37 (hg19) VCF-style: chr17-68171627-T-A.
Other names: short protein forms C149*.
Identifiers: ClinVar variation 4879504 (VCV004879504.1).
Genomic context (GRCh38, chr17:70,175,486, plus strand): 5'-CACGGCTGCCTTCCTCTTCTCCATTGAGACCCAGACAACCATAGGCTATGGTTTCAGATG[T>A]GTCACGGATGAATGCCCAATTGCTGTTTTCATGGTGGTGTTCCAGTCAATCGTGGGCTGC-3'